The following is an entry in ClinVar:

NM_001963.6(EGF):c.3110C>T (p.Ala1037Val)

Gene: EGF (epidermal growth factor; plus strand). Cytogenetic location: 4q25.
Variant type: single nucleotide variant.
Coding change: c.3110C>T on transcript NM_001963.6 (MANE Select); coding-DNA position 3110, C replaced by T.
Protein change: p.Ala1037Val; replaces alanine 1037 with valine.
Molecular consequence: missense variant.
Genome position (GRCh38, 1-based): chr4:109,999,783, C>T. VCF-style: chr4-109999783-C-T. GRCh37 (hg19) VCF-style: chr4-110920939-C-T.
Other names: c.2987C>T, p.Ala996Val (NM_001178130.3); c.2984C>T, p.Ala995Val (NM_001178131.3); c.2741C>T, p.Ala914Val (NM_001357021.2); short protein forms A1037V, A995V, A996V, A914V.
Identifiers: ClinVar variation 347255 (VCV000347255.10), dbSNP rs572990451, ClinGen allele CA3044175.

ClinVar aggregate classification (germline): Uncertain significance. Review status: criteria provided, multiple submitters, no conflicts (2 of 4 stars). 4 submissions from 4 submitters: Uncertain significance (4). Last evaluated 2024-07-16.

Conditions:
Renal hypomagnesemia 4. Also called: HYPOMAGNESEMIA, RENAL, NORMOCALCIURIC. Identifiers: Orphanet 34527, MedGen C2673648, MONDO:0012717, OMIM 611718.

Allele frequency attached by ClinVar (database versions not stated): gnomAD exomes 0.00002 and 0.00007; gnomAD 0.00003; TOPMed 0.00004; ExAC 0.00009; 1000 Genomes Project 30x 0.00016; 1000 Genomes Project 0.00020.
gnomAD v4.1: 47 of 1,614,064 alleles (0.0029%); highest among the groups gnomAD compares: East Asian, 0.074%; no homozygotes.

Submissions (4):

Ambry Genetics
Classification: Uncertain significance. Last evaluated: 2024-07-16. Review status: criteria provided, single submitter. Criteria: Ambry Variant Classification Scheme 2023. Collection method: clinical testing. Allele origin: germline.

Labcorp Genetics (formerly Invitae), Labcorp
Classification: Uncertain significance. Last evaluated: 2024-04-08. Review status: criteria provided, single submitter. Criteria: Invitae Variant Classification Sherloc (09022015). Collection method: clinical testing. Allele origin: germline.
Comment: This sequence change replaces alanine, which is neutral and non-polar, with valine, which is neutral and non-polar, at codon 1037 of the EGF protein (p.Ala1037Val). This variant is present in population databases (rs572990451, gnomAD 0.07%), and has an allele count higher than expected for a pathogenic variant. This variant has not been reported in the literature in individuals affected with EGF-related conditions. ClinVar contains an entry for this variant (Variation ID: 347255). An algorithm developed to predict the effect of missense changes on protein structure and function (PolyPhen-2) suggests that this variant is likely to be tolerated. In summary, the available evidence is currently insufficient to determine the role of this variant in disease. Therefore, it has been classified as a Variant of Uncertain Significance.

Fulgent Genetics
Classification: Uncertain significance for Renal hypomagnesemia 4. Last evaluated: 2022-04-26. Review status: criteria provided, single submitter. Criteria: ACMG Guidelines, 2015. Collection method: clinical testing. Allele origin: unknown.

Illumina Laboratory Services, Illumina
Classification: Uncertain significance for Renal hypomagnesemia 4. Last evaluated: 2018-01-13. Review status: criteria provided, single submitter. Criteria: ICSL Variant Classification Criteria 13 December 2019. Collection method: clinical testing. Allele origin: germline.